The following is an entry in ClinVar:

ClinVar aggregate classification (germline): Uncertain significance (1 of 4 stars; one submission).

Submission:

GeneDx
Classification: Uncertain significance. Last evaluated: 2022-12-02. Review status: criteria provided, single submitter. Criteria: GeneDx Variant Classification Process June 2021. Collection method: clinical testing. Allele origin: germline. Affected: yes.
Comment: Not observed at significant frequency in large population cohorts (gnomAD); Missense variants in this gene are often considered pathogenic (HGMD); In silico analysis supports that this missense variant has a deleterious effect on protein structure/function; Has not been previously published as pathogenic or benign to our knowledge

NM_000533.5(PLP1):c.229T>C (p.Ser77Pro)

Genes: PLP1 (proteolipid protein 1; plus strand), RAB9B (RAB9B, member RAS oncogene family; minus strand). Cytogenetic location: Xq22.2.
Variant type: single nucleotide variant.
Coding change: c.229T>C on transcript NM_000533.5 (MANE Select); coding-DNA position 229, T replaced by C.
Protein change: p.Ser77Pro; replaces serine 77 with proline.
Molecular consequence: missense variant.
Genome position (GRCh38, 1-based): chrX:103,786,502, T>C. VCF-style: chrX-103786502-T-C. GRCh37 (hg19) VCF-style: chrX-103041431-T-C.
Other names: c.229T>C, p.Ser77Pro (NM_001128834.3, NM_199478.3); c.64T>C, p.Ser22Pro (NM_001305004.1); short protein forms S22P, S77P.
Identifiers: ClinVar variation 2504366 (VCV002504366.1), dbSNP rs2522306841, ClinGen allele CA414102479.